The following is an entry in ClinVar:

NM_006767.4(LZTR1):c.70G>A (p.Val24Ile)

Genes: LZTR1 (leucine zipper like post translational regulator 1; plus strand), LOC130067016 (ATAC-STARR-seq lymphoblastoid silent region 13504; plus strand). Cytogenetic location: 22q11.21.
Variant type: single nucleotide variant.
Coding change: c.70G>A on transcript NM_006767.4 (MANE Select); coding-DNA position 70, G replaced by A.
Protein change: p.Val24Ile; replaces valine 24 with isoleucine.
Molecular consequence: missense variant.
Genome position (GRCh38, 1-based): chr22:20,982,441, G>A. VCF-style: chr22-20982441-G-A. GRCh37 (hg19) VCF-style: chr22-21336730-G-A.
Other names: short protein forms V24I.
Identifiers: ClinVar variation 2496790 (VCV002496790.2), dbSNP rs1378537249, ClinGen allele CA410777595.

ClinVar aggregate classification (germline): Uncertain significance (1 of 4 stars; one submission).

Conditions:
Hereditary cancer-predisposing syndrome. Also called: Neoplastic Syndromes, Hereditary; Hereditary neoplastic syndrome; Tumor predisposition; Hereditary Cancer Syndrome. Identifiers: Orphanet 140162, MedGen C0027672, MeSH D009386, MONDO:0015356.
Cardiovascular phenotype. Identifiers: MedGen CN230736.

Allele frequency attached by ClinVar (database versions not stated): gnomAD exomes below 0.00001.

Submission:

Ambry Genetics
Classification: Uncertain significance for Cardiovascular phenotype; Hereditary cancer-predisposing syndrome. Last evaluated: 2023-02-24. Review status: criteria provided, single submitter. Criteria: Ambry Variant Classification Scheme 2023. Collection method: clinical testing. Allele origin: germline.
Comment: The p.V24I variant (also known as c.70G>A), located in coding exon 1 of the LZTR1 gene, results from a G to A substitution at nucleotide position 70. The valine at codon 24 is replaced by isoleucine, an amino acid with highly similar properties. This amino acid position is conserved. In addition, this alteration is predicted to be tolerated by in silico analysis. Since supporting evidence is limited at this time, the clinical significance of this alteration remains unclear.